The following is an entry in ClinVar:

NM_005570.4(LMAN1):c.764-21dup

Gene: LMAN1 (lectin, mannose binding 1; minus strand). Cytogenetic location: 18q21.32.
Variant type: Duplication.
Coding change: c.764-21dup on transcript NM_005570.4 (MANE Select); 21 bases into the intron before coding-DNA position 764, one base duplicated (T; older notation c.764-21dupT).
Molecular consequence: intron variant.
Genome position (GRCh38, 1-based): chr18:59,347,581, A duplicated on the plus strand (T on the coding strand, the reverse complement: LMAN1 is on the minus strand); the first of 12 consecutive A bases (chr18:59,347,581-59,347,592); duplicating any one gives the same sequence. VCF-style (leftmost placement, unchanged base first): chr18-59347580-T-TA. GRCh37 (hg19) VCF-style: chr18-57014812-T-TA.
Other names: p.?; c.764-10dup (NM_005570.4).
Identifiers: ClinVar variation 1271589 (VCV001271589.2), dbSNP rs367567750, ClinGen allele CA8979844.

ClinVar aggregate classification (germline): Benign. Review status: criteria provided, multiple submitters, no conflicts (2 of 4 stars). 2 submissions from 2 submitters: Benign (2). Last evaluated 2024-01-31.

Submissions (2):

Mayo Clinic Laboratories, Mayo Clinic
Classification: Benign. Last evaluated: 2024-01-31. Review status: criteria provided, single submitter. Criteria: ACMG Guidelines, 2015. Collection method: clinical testing. Allele origin: germline. Observed: 19 variant alleles.
Comment: BA1, BS2, BP4, BP6

GeneDx
Classification: Benign. Last evaluated: 2021-06-09. Review status: criteria provided, single submitter. Criteria: GeneDx Variant Classification Process June 2021. Collection method: clinical testing. Allele origin: germline. Affected: yes.